The following is an entry in ClinVar:

NM_003307.4(TRPM2):c.3784G>A (p.Val1262Met)

Gene: TRPM2 (transient receptor potential cation channel subfamily M member 2; plus strand). Cytogenetic location: 21q22.3.
Variant type: single nucleotide variant.
Coding change: c.3784G>A on transcript NM_003307.4 (MANE Select); coding-DNA position 3784, G replaced by A.
Protein change: p.Val1262Met; replaces valine 1262 with methionine.
Molecular consequence: missense variant. On other transcripts: 5 prime UTR variant (1), non-coding transcript variant (1).
Genome position (GRCh38, 1-based): chr21:44,425,816, G>A. VCF-style: chr21-44425816-G-A. GRCh37 (hg19) VCF-style: chr21-45845699-G-A.
Other names: c.3934G>A, p.Val1312Met (NM_001320350.2); c.3784G>A, p.Val1262Met (NM_001320351.2); c.-32G>A (NM_001320352.3); short protein forms V1262M, V1312M.
Identifiers: ClinVar variation 713435 (VCV000713435.27), dbSNP rs150071509, ClinGen allele CA10055602.

ClinVar aggregate classification (germline): Benign/Likely benign. Review status: criteria provided, multiple submitters, no conflicts (2 of 4 stars). 2 submissions from 2 submitters: Benign (1); Likely benign (1). Last evaluated 2025-02-01.

Allele frequency attached by ClinVar (database versions not stated): TOPMed 0.00097; gnomAD 0.00105 and 0.00111; ESP Exome Variant Server 0.00162; ExAC 0.00166.
gnomAD v4.1: 2,486 of 1,575,156 alleles (0.16%); highest among the groups gnomAD compares: Non-Finnish European, 0.2%; 4 homozygotes.

Submissions (2):

CeGaT Center for Human Genetics Tuebingen
Classification: Benign. Last evaluated: 2025-02-01. Review status: criteria provided, single submitter. Criteria: CeGaT Center For Human Genetics Tuebingen Variant Classification Criteria Version 2. Collection method: clinical testing. Allele origin: germline. Affected: yes. Observed: 1 variant allele.
Comment: TRPM2: BS1, BS2

Labcorp Genetics (formerly Invitae), Labcorp
Classification: Likely benign. Last evaluated: 2018-07-11. Review status: criteria provided, single submitter. Criteria: Invitae Variant Classification Sherloc (09022015). Collection method: clinical testing. Allele origin: germline.